The following is an entry in ClinVar:

NM_002439.5(MSH3):c.2542A>G (p.Arg848Gly)

Gene: MSH3 (mutS homolog 3; plus strand). Cytogenetic location: 5q14.1.
Variant type: single nucleotide variant.
Coding change: c.2542A>G on transcript NM_002439.5 (MANE Select); coding-DNA position 2542, A replaced by G.
Protein change: p.Arg848Gly; replaces arginine 848 with glycine.
Molecular consequence: missense variant.
Genome position (GRCh38, 1-based): chr5:80,787,671, A>G. VCF-style: chr5-80787671-A-G. GRCh37 (hg19) VCF-style: chr5-80083490-A-G.
Other names: short protein forms R848G.
Identifiers: ClinVar variation 847056 (VCV000847056.14), dbSNP rs371547241, ClinGen allele CA3328274.

ClinVar aggregate classification (germline): Uncertain significance. Review status: criteria provided, multiple submitters, no conflicts (2 of 4 stars). 5 submissions from 5 submitters: Uncertain significance (5). Last evaluated 2026-01-19.

Conditions:
Endometrial carcinoma. Also called: Endometrial carcinoma, somatic. Identifiers: MedGen C0476089, MONDO:0002447, OMIM 608089, HP:0012114.
Hereditary cancer-predisposing syndrome. Also called: Tumor predisposition; Hereditary neoplastic syndrome; Neoplastic Syndromes, Hereditary; Hereditary Cancer Syndrome. Identifiers: Orphanet 140162, MedGen C0027672, MeSH D009386, MONDO:0015356.

Allele frequency attached by ClinVar (database versions not stated): gnomAD exomes below 0.00001 and 0.00003; ExAC 0.00002; TOPMed 0.00002; gnomAD 0.00003; ESP Exome Variant Server 0.00008.
gnomAD v4.1: 39 of 1,605,610 alleles (0.0024%); highest among the groups gnomAD compares: Non-Finnish European, 0.0033%; no homozygotes.

Submissions (5):

Labcorp Genetics (formerly Invitae), Labcorp
Classification: Uncertain significance. Last evaluated: 2026-01-19. Review status: criteria provided, single submitter. Criteria: Invitae Variant Classification Sherloc (09022015). Collection method: clinical testing. Allele origin: germline.
Comment: This sequence change replaces arginine, which is basic and polar, with glycine, which is neutral and non-polar, at codon 848 of the MSH3 protein (p.Arg848Gly). This variant is present in population databases (rs371547241, gnomAD 0.0009%). This variant has not been reported in the literature in individuals affected with MSH3-related conditions. ClinVar contains an entry for this variant (Variation ID: 847056). An algorithm developed to predict the effect of missense changes on protein structure and function (PolyPhen-2) suggests that this variant is likely to be disruptive. In summary, the available evidence is currently insufficient to determine the role of this variant in disease. Therefore, it has been classified as a Variant of Uncertain Significance.

Ambry Genetics
Classification: Uncertain significance for Hereditary cancer-predisposing syndrome. Last evaluated: 2025-01-29. Review status: criteria provided, single submitter. Criteria: Ambry Variant Classification Scheme 2023. Collection method: clinical testing. Allele origin: germline.
Comment: The p.R848G variant (also known as c.2542A>G), located in coding exon 18 of the MSH3 gene, results from an A to G substitution at nucleotide position 2542. The arginine at codon 848 is replaced by glycine, an amino acid with dissimilar properties. This amino acid position is highly conserved in available vertebrate species. In addition, this alteration is predicted to be deleterious by in silico analysis. Based on the available evidence, the clinical significance of this variant remains unclear.

Quest Diagnostics Nichols Institute San Juan Capistrano
Classification: Uncertain significance. Last evaluated: 2024-07-01. Review status: criteria provided, single submitter. Criteria: Quest Diagnostics criteria. Collection method: clinical testing. Allele origin: unknown.
Comment: The MSH3 c.2542A>G (p.Arg848Gly) variant has not been reported in individuals with MSH3-related conditions in the published literature. The frequency of this variant in the general population, 0.000004 (1/251338 chromosomes (Genome Aggregation Database)), is uninformative in the assessment of its pathogenicity. Analysis of this variant using bioinformatics tools for the prediction of the effect of amino acid changes on protein structure and function yielded predictions that this variant is damaging. Based on the available information, we are unable to determine the clinical significance of this variant.

Baylor Genetics
Classification: Uncertain significance for Endometrial carcinoma. Last evaluated: 2023-09-04. Review status: criteria provided, single submitter. Criteria: ACMG Guidelines, 2015. Collection method: clinical testing. Allele origin: unknown.

GeneDx
Classification: Uncertain significance. Last evaluated: 2023-03-30. Review status: criteria provided, single submitter. Criteria: GeneDx Variant Classification Process June 2021. Collection method: clinical testing. Allele origin: germline. Affected: yes.
Comment: Not observed at significant frequency in large population cohorts (gnomAD); In silico analysis supports that this missense variant has a deleterious effect on protein structure/function; Has not been previously published as pathogenic or benign to our knowledge